The following is an entry in ClinVar:

NM_015909.4(NBAS):c.2512dup (p.Thr838fs)

Gene: NBAS (NBAS subunit of NRZ tethering complex; minus strand). Cytogenetic location: 2p24.3.
Variant type: Duplication.
Coding change: c.2512dup on transcript NM_015909.4 (MANE Select); coding-DNA position 2512, one base duplicated (A; older notation c.2512dupA).
Protein change: p.Thr838fs; shifts the reading frame from threonine 838.
Molecular consequence: frameshift variant. On other transcripts: non-coding transcript variant (1).
Genome position (GRCh38, 1-based): chr2:15,424,380, T duplicated on the plus strand (A on the coding strand, the reverse complement: NBAS is on the minus strand). VCF-style (leftmost placement, unchanged base first): chr2-15424379-G-GT. GRCh37 (hg19) VCF-style: chr2-15564503-G-GT.
Other names: short protein forms T838fs.
Identifiers: ClinVar variation 3389124 (VCV003389124.14).

ClinVar aggregate classification (germline): Pathogenic (1 of 4 stars; one submission).

Submission:

CeGaT Center for Human Genetics Tuebingen
Classification: Pathogenic. Last evaluated: 2024-10-01. Review status: criteria provided, single submitter. Criteria: CeGaT Center For Human Genetics Tuebingen Variant Classification Criteria Version 2. Collection method: clinical testing. Allele origin: germline. Affected: yes. Observed: 1 variant allele.
Comment: NBAS: PVS1, PM2